The following is an entry in ClinVar:

NM_001267550.2(TTN):c.105113C>T (p.Thr35038Ile)

Genes: TTN-AS1 (TTN antisense RNA 1; plus strand), TTN (titin; minus strand). Cytogenetic location: 2q31.2.
Variant type: single nucleotide variant.
Coding change: c.105113C>T on transcript NM_001267550.2 (MANE Select); coding-DNA position 105113, C replaced by T.
Protein change: p.Thr35038Ile; replaces threonine 35038 with isoleucine.
Molecular consequence: missense variant.
Genome position (GRCh38, 1-based): chr2:178,531,502, G>A on the plus strand (C>T on the coding strand, the complement: TTN is on the minus strand). VCF-style: chr2-178531502-G-A. GRCh37 (hg19) VCF-style: chr2-179396229-G-A.
Other names: c.97409C>T, p.Thr32470Ile (NM_133378.4); c.78293C>T, p.Thr26098Ile (NM_133432.3); c.78494C>T, p.Thr26165Ile (NM_133437.4); c.100190C>T, p.Thr33397Ile (NM_001256850.1); c.77918C>T, p.Thr25973Ile (NM_003319.4); short protein forms T32470I, T33397I, T26098I, T35038I, T25973I, T26165I.
Identifiers: ClinVar variation 1944897 (VCV001944897.5), dbSNP rs2468412331, ClinGen allele CA349409459.

ClinVar aggregate classification (germline): Uncertain significance (1 of 4 stars; one submission).

Conditions:
Dilated cardiomyopathy 1G (CMD1G). Identifiers: Orphanet 154, MedGen C1858763, MONDO:0011400, OMIM 604145.
Autosomal recessive limb-girdle muscular dystrophy type 2J (LGMDR10). Also called: Limb-girdle muscular dystrophy, type 2J; MUSCULAR DYSTROPHY, LIMB-GIRDLE, AUTOSOMAL RECESSIVE 10. Identifiers: Orphanet 140922, MedGen C1837342, MONDO:0012127, OMIM 608807.

Submission:

Labcorp Genetics (formerly Invitae), Labcorp
Classification: Uncertain significance for Dilated cardiomyopathy 1G; Autosomal recessive limb-girdle muscular dystrophy type 2J. Last evaluated: 2024-06-17. Review status: criteria provided, single submitter. Criteria: Invitae Variant Classification Sherloc (09022015). Collection method: clinical testing. Allele origin: germline.
Comment: This sequence change replaces threonine, which is neutral and polar, with isoleucine, which is neutral and non-polar, at codon 35038 of the TTN protein (p.Thr35038Ile). This variant is not present in population databases (gnomAD no frequency). This variant has not been reported in the literature in individuals affected with TTN-related conditions. ClinVar contains an entry for this variant (Variation ID: 1944897). Experimental studies and prediction algorithms are not available or were not evaluated, and the functional significance of this variant is currently unknown. This variant is located in the M band of TTN (PMID: 25589632). Non-truncating variants in this region may be relevant for neuromuscular disorders, but have not been definitively shown to cause cardiomyopathy (PMID: 23975875). In summary, the available evidence is currently insufficient to determine the role of this variant in disease. Therefore, it has been classified as a Variant of Uncertain Significance.

Literature cited by the submitters: PubMed 25589632; PubMed 23975875.